The following is an entry in ClinVar:

ClinVar aggregate classification (germline): Uncertain significance. Review status: criteria provided, multiple submitters, no conflicts (2 of 4 stars). 2 submissions from 2 submitters: Uncertain significance (2). Last evaluated 2024-08-06.

gnomAD v4.1: 2 of 1,613,916 alleles (0.00012%); highest among the groups gnomAD compares: Non-Finnish European, 0.000085%; no homozygotes.

Submissions (2):

Ambry Genetics
Classification: Uncertain significance. Last evaluated: 2024-08-06. Review status: criteria provided, single submitter. Criteria: Ambry Variant Classification Scheme 2023. Collection method: clinical testing. Allele origin: germline.
Comment: The p.P53L variant (also known as c.158C>T), located in coding exon 3 of the RPS20 gene, results from a C to T substitution at nucleotide position 158. The proline at codon 53 is replaced by leucine, an amino acid with similar properties. This amino acid position is conserved. In addition, this alteration is predicted to be deleterious by in silico analysis. Since supporting evidence is limited at this time, the clinical significance of this alteration remains unclear.

Labcorp Genetics (formerly Invitae), Labcorp
Classification: Uncertain significance. Last evaluated: 2023-01-16. Review status: criteria provided, single submitter. Criteria: Invitae Variant Classification Sherloc (09022015). Collection method: clinical testing. Allele origin: germline.
Comment: This sequence change replaces proline, which is neutral and non-polar, with leucine, which is neutral and non-polar, at codon 53 of the RPS20 protein (p.Pro53Leu). This variant is not present in population databases (gnomAD no frequency). This variant has not been reported in the literature in individuals affected with RPS20-related conditions. ClinVar contains an entry for this variant (Variation ID: 1775880). Algorithms developed to predict the effect of missense changes on protein structure and function (SIFT, PolyPhen-2, Align-GVGD) all suggest that this variant is likely to be disruptive. In summary, the available evidence is currently insufficient to determine the role of this variant in disease. Therefore, it has been classified as a Variant of Uncertain Significance.

NM_001023.4(RPS20):c.158C>T (p.Pro53Leu)

Gene: RPS20 (ribosomal protein S20; minus strand). Cytogenetic location: 8q12.1.
Variant type: single nucleotide variant.
Coding change: c.158C>T on transcript NM_001023.4 (MANE Select); coding-DNA position 158, C replaced by T.
Protein change: p.Pro53Leu; replaces proline 53 with leucine.
Molecular consequence: missense variant.
Genome position (GRCh38, 1-based): chr8:56,073,714, G>A on the plus strand (C>T on the coding strand, the complement: RPS20 is on the minus strand). VCF-style: chr8-56073714-G-A. GRCh37 (hg19) VCF-style: chr8-56986273-G-A.
Other names: c.158C>T, p.Pro53Leu (NM_001146227.3); short protein forms P53L.
Identifiers: ClinVar variation 1775880 (VCV001775880.6), dbSNP rs370331305, ClinGen allele CA371283519.
Genomic context (GRCh38, chr8:56,073,714, plus strand): 5'-CGGAAGCAACTCCTACTTCCTGCCCCTCCGATTTACTTTACCTTGGTAGGCATTCGAACT[G>A]GTCCTTTCACTTTGAGATTCTTTTCTTTTGCGCCTCTTATCAAGTCAGCACACACTACAG-3'
Protein context (NP_001014.1, residues 43-63): AKEKNLKVKG[Pro53Leu]VRMPTKTLRI